The following is an entry in ClinVar:

NM_001379500.1(COL18A1):c.1484C>G (p.Pro495Arg)

Gene: COL18A1 (collagen type XVIII alpha 1 chain; plus strand). Cytogenetic location: 21q22.3.
Variant type: single nucleotide variant.
Coding change: c.1484C>G on transcript NM_001379500.1 (MANE Select); coding-DNA position 1484, C replaced by G.
Protein change: p.Pro495Arg; replaces proline 495 with arginine.
Molecular consequence: missense variant.
Genome position (GRCh38, 1-based): chr21:45,480,731, C>G. VCF-style: chr21-45480731-C-G. GRCh37 (hg19) VCF-style: chr21-46900645-C-G.
Other names: c.2024C>G, p.Pro675Arg (NM_030582.4); c.2729C>G, p.Pro910Arg (NM_130444.3); short protein forms P495R, P675R, P910R.
Identifiers: ClinVar variation 1461804 (VCV001461804.6), dbSNP rs751547351, ClinGen allele CA410517642.

ClinVar aggregate classification (germline): Uncertain significance (1 of 4 stars; one submission).

Allele frequency attached by ClinVar (database versions not stated): TOPMed below 0.00001; gnomAD 0.00001.
gnomAD v4.1: 4 of 1,610,650 alleles (0.00025%); highest among the groups gnomAD compares: African/African-American, 0.0027%; no homozygotes.

Submission:

Labcorp Genetics (formerly Invitae), Labcorp
Classification: Uncertain significance. Last evaluated: 2025-04-28. Review status: criteria provided, single submitter. Criteria: Invitae Variant Classification Sherloc (09022015). Collection method: clinical testing. Allele origin: germline.
Comment: This sequence change replaces proline, which is neutral and non-polar, with arginine, which is basic and polar, at codon 495 of the COL18A1 protein (p.Pro495Arg). This variant is not present in population databases (gnomAD no frequency). This variant has not been reported in the literature in individuals affected with COL18A1-related conditions. ClinVar contains an entry for this variant (Variation ID: 1461804). Experimental studies and prediction algorithms are not available or were not evaluated, and the functional significance of this variant is currently unknown. In summary, the available evidence is currently insufficient to determine the role of this variant in disease. Therefore, it has been classified as a Variant of Uncertain Significance.